The following is an entry in ClinVar:

ClinVar aggregate classification (germline): Likely pathogenic (1 of 4 stars; one submission).

Conditions:
BAP1-related tumor predisposition syndrome (TPDS1). Also called: TUMOR PREDISPOSITION SYNDROME 1; BAP1 tumor predisposition syndrome; Tumor susceptibility linked to germline BAP1 mutations; COMMON Syndrome. Identifiers: Orphanet 289539, MedGen C3280492, MONDO:0013692, OMIM 614327.

Submission:

Labcorp Genetics (formerly Invitae), Labcorp
Classification: Likely pathogenic for BAP1-related tumor predisposition syndrome. Last evaluated: 2025-05-05. Review status: criteria provided, single submitter. Criteria: Invitae Variant Classification Sherloc (09022015). Collection method: clinical testing. Allele origin: germline.
Comment: This variant results in the deletion of exon 8 (c.581-4_599del) of the BAP1 gene. It is expected to disrupt RNA splicing. Variants that disrupt the donor or acceptor splice site typically lead to a loss of protein function (PMID: 16199547), and loss-of-function variants in BAP1 are known to be pathogenic (PMID: 21874000, 23684012). This variant is not present in population databases (gnomAD no frequency). This variant has not been reported in the literature in individuals affected with BAP1-related conditions. ClinVar contains an entry for this variant (Variation ID: 2103734). In summary, the currently available evidence indicates that the variant is pathogenic, but additional data are needed to prove that conclusively. Therefore, this variant has been classified as Likely Pathogenic.

Literature cited by the submitters: PubMed 16199547; PubMed 21874000; PubMed 23684012.

NM_004656.4(BAP1):c.581-4_599del

Gene: BAP1 (BRCA1 associated deubiquitinase 1; minus strand). Cytogenetic location: 3p21.1.
Variant type: Deletion.
Coding change: c.581-4_599del on transcript NM_004656.4 (MANE Select); 4 bases into the intron before coding-DNA position 581 through coding-DNA position 599, 23 bases deleted (CTAGGGCCCTGGGGGGAGGACGA).
Molecular consequence: splice acceptor variant.
Genome position (GRCh38, 1-based): chr3:52,406,889-52,406,911, TCGTCCTCCCCCCAGGGCCCTAG deleted on the plus strand (CTAGGGCCCTGGGGGGAGGACGA on the coding strand, the reverse complement: BAP1 is on the minus strand); deleting any 23 consecutive bases within chr3:52,406,889-52,406,912 gives the same sequence; the c. name uses the placement nearest the transcript's 3' end. VCF-style (leftmost placement, unchanged base first): chr3-52406888-CTCGTCCTCCCCCCAGGGCCCTAG-C. GRCh37 (hg19) VCF-style: chr3-52440904-CTCGTCCTCCCCCCAGGGCCCTAG-C.
Identifiers: ClinVar variation 2103734 (VCV002103734.4), dbSNP rs2471347358, ClinGen allele CA2580070166.
Genomic context (GRCh38, chr3:52,406,888, plus strand): 5'-CCCTGCAGTGGCGAGGCCGATACGCTCCATGATGACCCGCCGGGCCTTGTCTGTCCACTC[CTCGTCCTCCCCCCAGGGCCCTAG>C]TGGAGACCAAGACAAGGAATCAGCGAGAAGGAAACCCTGAGTTTGGGCAGGCCAGGAGTG-3'